The following is an entry in ClinVar:

ClinVar aggregate classification (germline): Uncertain significance (1 of 4 stars; one submission).

Allele frequency attached by ClinVar (database versions not stated): gnomAD exomes below 0.00001.
gnomAD v4.1: 3 of 1,452,250 alleles (0.00021%); highest among the groups gnomAD compares: Non-Finnish European, 0.00027%; no homozygotes.

Submission:

GeneDx
Classification: Uncertain significance. Last evaluated: 2022-11-25. Review status: criteria provided, single submitter. Criteria: GeneDx Variant Classification Process June 2021. Collection method: clinical testing. Allele origin: germline. Affected: yes.
Comment: Not observed at significant frequency in large population cohorts (gnomAD); In silico analysis supports that this missense variant has a deleterious effect on protein structure/function; Has not been previously published as pathogenic or benign to our knowledge

NM_001394372.1(BICRA):c.4162C>T (p.Arg1388Cys)

Gene: BICRA (BRD4 interacting chromatin remodeling complex associated protein; plus strand). Cytogenetic location: 19q13.33.
Variant type: single nucleotide variant.
Coding change: c.4162C>T on transcript NM_001394372.1 (MANE Select); coding-DNA position 4162, C replaced by T.
Protein change: p.Arg1388Cys; replaces arginine 1388 with cysteine.
Molecular consequence: missense variant.
Genome position (GRCh38, 1-based): chr19:47,701,894, C>T. VCF-style: chr19-47701894-C-T. GRCh37 (hg19) VCF-style: chr19-48205151-C-T.
Other names: c.4162C>T, p.Arg1388Cys (NM_015711.3); short protein forms R1388C.
Identifiers: ClinVar variation 2503341 (VCV002503341.1), dbSNP rs2514138879, ClinGen allele CA406614880.
Genomic context (GRCh38, chr19:47,701,894, plus strand): 5'-CCTGCCGCCCCCGAGCGCAAGCCCCTGGGCACCGCCCCGCACTGCCCGCGCCTGCCACTG[C>T]GCAAGACCTACCGCGAGAACGTGGGGGGCCCTGGCGCGCCGGAGGGGACGCCCGCAGGCA-3'
Protein context (NP_001381301.1, residues 1378-1398): TAPHCPRLPL[Arg1388Cys]KTYRENVGGP